The following is an entry in ClinVar:

ClinVar aggregate classification (germline): Uncertain significance (1 of 4 stars; one submission).

Conditions:
Intellectual developmental disorder with short stature and variable skeletal anomalies. Identifiers: MedGen C5193105, MONDO:0032759, OMIM 618453.

Submission:

Neuberg Centre For Genomic Medicine, NCGM
Classification: Uncertain significance for Intellectual developmental disorder with short stature and variable skeletal anomalies. Last evaluated: 2023-02-14. Review status: criteria provided, single submitter. Criteria: ACMG Guidelines, 2015. Collection method: clinical testing. Allele origin: germline. Inheritance: Autosomal recessive inheritance. Affected: yes.
Comment: The splice donor variant c.74+2T>G in WIPI2 gene has not been reported previously as a pathogenic variant nor as a benign variant, to our knowledge. The variant is novel (not in any individuals) in gnomAD Exomes and 1000 Genomes. The variant affects the GT donor splice site downstream of exon 1.Loss of function variants have not been previously reported to be disease causing. Hence the variant is classified as Uncertain Significance.

NM_015610.4(WIPI2):c.74+2T>G

Genes: WIPI2 (WD repeat domain, phosphoinositide interacting 2; plus strand), LOC129997872 (ATAC-STARR-seq lymphoblastoid silent region 17909; plus strand). Cytogenetic location: 7p22.1.
Variant type: single nucleotide variant.
Coding change: c.74+2T>G on transcript NM_015610.4 (MANE Select); the canonical splice donor site of the intron after coding-DNA position 74, T replaced by G.
Molecular consequence: splice donor variant.
Genome position (GRCh38, 1-based): chr7:5,190,495, T>G. VCF-style: chr7-5190495-T-G. GRCh37 (hg19) VCF-style: chr7-5230126-T-G.
Other names: c.-533+2T>G (NM_001278299.2); c.74+2T>G (NM_001033518.2, NM_016003.4, NM_001033519.2).
Identifiers: ClinVar variation 2671680 (VCV002671680.1), dbSNP rs2534261168, ClinGen allele CA366684424.